The following is an entry in ClinVar:

ClinVar aggregate classification (germline): Uncertain significance (1 of 4 stars; one submission).

Conditions:
Renal cell carcinoma. Identifiers: Orphanet 217071, MedGen C0007134, MeSH D002292, MONDO:0005086, HP:0005584.

Submission:

Labcorp Genetics (formerly Invitae), Labcorp
Classification: Uncertain significance for Renal cell carcinoma. Last evaluated: 2024-11-16. Review status: criteria provided, single submitter. Criteria: Invitae Variant Classification Sherloc (09022015). Collection method: clinical testing. Allele origin: germline.
Comment: This sequence change falls in intron 20 of the MET gene. It does not directly change the encoded amino acid sequence of the MET protein. This variant is not present in population databases (gnomAD no frequency). This variant has not been reported in the literature in individuals affected with MET-related conditions. Algorithms developed to predict the effect of sequence changes on RNA splicing suggest that this variant may disrupt the consensus splice site. In summary, the available evidence is currently insufficient to determine the role of this variant in disease. Therefore, it has been classified as a Variant of Uncertain Significance.

NM_000245.4(MET):c.3936-16T>G

Gene: MET (MET proto-oncogene, receptor tyrosine kinase; plus strand). Cytogenetic location: 7q31.2.
Variant type: single nucleotide variant.
Coding change: c.3936-16T>G on transcript NM_000245.4 (MANE Select); 16 bases into the intron before coding-DNA position 3936, T replaced by G.
Molecular consequence: intron variant.
Genome position (GRCh38, 1-based): chr7:116,795,871, T>G. VCF-style: chr7-116795871-T-G. GRCh37 (hg19) VCF-style: chr7-116435925-T-G.
Other names: c.3990-16T>G (NM_001127500.3); c.2646-16T>G (NM_001324402.2).
Identifiers: ClinVar variation 3679605 (VCV003679605.2).